The following is an entry in ClinVar:

ClinVar aggregate classification (germline): Uncertain significance (1 of 4 stars; one submission).

Allele frequency attached by ClinVar (database versions not stated): ExAC 0.00002; gnomAD exomes 0.00005 and 0.00006; TOPMed 0.00009; gnomAD 0.00011.
gnomAD v4.1: 72 of 1,205,141 alleles (0.006%); highest among the groups gnomAD compares: African/African-American, 0.014%; no homozygotes.

Submission:

Labcorp Genetics (formerly Invitae), Labcorp
Classification: Uncertain significance. Last evaluated: 2024-03-04. Review status: criteria provided, single submitter. Criteria: Invitae Variant Classification Sherloc (09022015). Collection method: clinical testing. Allele origin: germline.
Comment: This sequence change replaces arginine, which is basic and polar, with histidine, which is basic and polar, at codon 1790 of the CACNA1F protein (p.Arg1790His). This variant is present in population databases (rs781946990, gnomAD 0.01%). This missense change has been observed in individual(s) with clinical features of cone-rod dystrophy (Invitae). ClinVar contains an entry for this variant (Variation ID: 935300). An algorithm developed to predict the effect of missense changes on protein structure and function (PolyPhen-2) suggests that this variant¬†is likely to be tolerated. In summary, the available evidence is currently insufficient to determine the role of this variant in disease. Therefore, it has been classified as a Variant of Uncertain Significance.

NM_001256789.3(CACNA1F):c.5336G>A (p.Arg1779His)

Gene: CACNA1F (calcium voltage-gated channel subunit alpha1 F; minus strand). Cytogenetic location: Xp11.23.
Variant type: single nucleotide variant.
Coding change: c.5336G>A on transcript NM_001256789.3 (MANE Select); coding-DNA position 5336, G replaced by A.
Protein change: p.Arg1779His; replaces arginine 1779 with histidine.
Molecular consequence: missense variant.
Genome position (GRCh38, 1-based): chrX:49,206,751, C>T on the plus strand (G>A on the coding strand, the complement: CACNA1F is on the minus strand). VCF-style: chrX-49206751-C-T. GRCh37 (hg19) VCF-style: chrX-49063212-C-T.
Other names: c.5174G>A, p.Arg1725His (NM_001256790.3); c.5369G>A, p.Arg1790His (NM_005183.4); short protein forms R1790H, R1779H, R1725H.
Identifiers: ClinVar variation 935300 (VCV000935300.6), dbSNP rs781946990, ClinGen allele CA10410003.